The following is an entry in ClinVar:

ClinVar aggregate classification (germline): Uncertain significance. Review status: criteria provided, multiple submitters, no conflicts (2 of 4 stars). 7 submissions from 7 submitters: Uncertain significance (5). 2 of the submissions do not count toward it. Last evaluated 2026-01-14.

Conditions:
Hereditary cancer-predisposing syndrome. Also called: Neoplastic Syndromes, Hereditary; Tumor predisposition; Hereditary neoplastic syndrome; Hereditary Cancer Syndrome. Identifiers: Orphanet 140162, MedGen C0027672, MeSH D009386, MONDO:0015356.
Intellectual disability, autosomal dominant 16 (CSS4). Also called: COFFIN-SIRIS SYNDROME 4. Identifiers: Orphanet 1465, MedGen C3553249, MONDO:0013821, OMIM 614609.
SMARCA4-related disorder. Also called: SMARCA4-related condition.
Rhabdoid tumor predisposition syndrome 2 (RTPS2). Identifiers: Orphanet 231108, Orphanet 69077, MedGen C2750074, MONDO:0013224, OMIM 613325.
Intellectual disability. Also called: Intellectual functioning disability; Intellectual developmental disorder; intellectual disabilities. Identifiers: MedGen C3714756, MeSH D008607, MONDO:0001071, HP:0001249.

Allele frequency attached by ClinVar (database versions not stated): gnomAD 0.00001 and 0.00002; gnomAD exomes 0.00001; TOPMed 0.00001; 1000 Genomes Project 0.00020; ExAC 0.00001; 1000 Genomes Project 30x 0.00016.
gnomAD v4.1: 17 of 1,600,954 alleles (0.0011%); highest among the groups gnomAD compares: East Asian, 0.009%; no homozygotes.

Submissions (7):

Labcorp Genetics (formerly Invitae), Labcorp
Classification: Uncertain significance for Rhabdoid tumor predisposition syndrome 2. Last evaluated: 2026-01-14. Review status: criteria provided, single submitter. Criteria: Invitae Variant Classification Sherloc (09022015). Collection method: clinical testing. Allele origin: germline.
Comment: This sequence change replaces alanine, which is neutral and non-polar, with valine, which is neutral and non-polar, at codon 314 of the SMARCA4 protein (p.Ala314Val). The frequency data for this variant in the population databases is considered unreliable, as metrics indicate poor data quality at this position in the gnomAD database. This variant has not been reported in the literature in individuals affected with SMARCA4-related conditions. ClinVar contains an entry for this variant (Variation ID: 480658). Invitae Evidence Modeling of protein sequence and biophysical properties (such as structural, functional, and spatial information, amino acid conservation, physicochemical variation, residue mobility, and thermodynamic stability) indicates that this missense variant is not expected to disrupt SMARCA4 protein function with a negative predictive value of 95%. In summary, the available evidence is currently insufficient to determine the role of this variant in disease. Therefore, it has been classified as a Variant of Uncertain Significance.

Ambry Genetics
Classification: Uncertain significance for Hereditary cancer-predisposing syndrome. Last evaluated: 2025-01-10. Review status: criteria provided, single submitter. Criteria: Ambry Variant Classification Scheme 2023. Collection method: clinical testing. Allele origin: germline.

GeneDx
Classification: Uncertain significance. Last evaluated: 2024-10-29. Review status: criteria provided, single submitter. Criteria: GeneDx Variant Classification Process June 2021. Collection method: clinical testing. Allele origin: germline.
Comment: In silico analysis indicates that this missense variant does not alter protein structure/function; Observed in an individual with a neurodevelopmental disorder in published literature, but additional clinical information was not included (PMID: 37500730); This variant is associated with the following publications: (PMID: 37500730)

Quest Diagnostics Nichols Institute San Juan Capistrano
Classification: Uncertain significance. Last evaluated: 2022-12-02. Review status: criteria provided, single submitter. Criteria: Quest Diagnostics criteria. Collection method: clinical testing. Allele origin: unknown.
Comment: To the best of our knowledge, the variant has not been reported in the published literature. The frequency of this variant in the general population, 0.000012 (3/247012 chromosomes), is uninformative in assessment of its pathogenicity. Analysis of this variant using bioinformatics tools for the prediction of the effect of amino acid changes on protein structure and function yielded conflicting predictions that this variant is benign or damaging. Based on the available information, we are unable to determine the clinical significance of this variant.

Genome-Nilou Lab
Classification: Uncertain significance for Intellectual disability, autosomal dominant 16. Last evaluated: 2021-07-15. Review status: criteria provided, single submitter. Criteria: ACMG Guidelines, 2015. Collection method: clinical testing. Allele origin: germline. Affected: no.

PreventionGenetics, part of Exact Sciences
Classification: Uncertain significance for SMARCA4-related condition. Last evaluated: 2024-04-11. Review status: no assertion criteria provided. Collection method: clinical testing. Allele origin: germline. Not counted in ClinVar's aggregate classification.
Comment: The SMARCA4 c.941C>T variant is predicted to result in the amino acid substitution p.Ala314Val. To our knowledge, this variant has not been reported in the literature. This variant is reported in 0.011% of alleles in individuals of East Asian descent in gnomAD. At this time, the clinical significance of this variant is uncertain due to the absence of conclusive functional and genetic evidence.

Centre de Biologie Pathologie Génétique, Centre Hospitalier Universitaire de Lille
Classification: Likely benign for Intellectual disability. Last evaluated: 2019-01-01. Review status: no assertion criteria provided. Collection method: clinical testing. Allele origin: inherited. Affected: yes. Not counted in ClinVar's aggregate classification.

NM_003072.5(SMARCA4):c.941C>T (p.Ala314Val)

Gene: SMARCA4 (SWI/SNF related BAF chromatin remodeling complex subunit ATPase 4; plus strand). Cytogenetic location: 19p13.2.
Variant type: single nucleotide variant.
Coding change: c.941C>T on transcript NM_003072.5 (MANE Select); coding-DNA position 941, C replaced by T.
Protein change: p.Ala314Val; replaces alanine 314 with valine.
Molecular consequence: missense variant. On other transcripts: non-coding transcript variant (1).
Genome position (GRCh38, 1-based): chr19:10,987,747, C>T. VCF-style: chr19-10987747-C-T. GRCh37 (hg19) VCF-style: chr19-11098423-C-T.
Other names: c.941C>T, p.Ala314Val (NM_001128844.3, NM_001128845.2, NM_001128846.2 and 5 more transcripts); short protein forms A314V.
Identifiers: ClinVar variation 480658 (VCV000480658.20), dbSNP rs549254467, ClinGen allele CA9203638.